The following is an entry in ClinVar:

ClinVar aggregate classification (germline): Likely benign. Review status: criteria provided, multiple submitters, no conflicts (2 of 4 stars). 2 submissions from 2 submitters: Likely benign (2). Last evaluated 2024-11-11.

Conditions:
Ataxia-telangiectasia syndrome (AT). Also called: ATAXIA-TELANGIECTASIA, COMPLEMENTATION GROUP A; ATAXIA-TELANGIECTASIA, FRESNO VARIANT; Ataxia-telangiectasia; Ataxia-telangiectasia, complementation group E; LOUIS-BAR SYNDROME; Cerebello-oculocutaneous telangiectasia. Identifiers: Orphanet 100, MedGen C0004135, MONDO:0008840, OMIM 208900.
Familial cancer of breast. Also called: BREAST CANCER, FAMILIAL; Hereditary breast cancer; hereditary breast carcinoma. Identifiers: Orphanet 227535, MedGen C0346153, MONDO:0016419, OMIM 114480. Disease mechanism: loss of function.

Submissions (2):

Labcorp Genetics (formerly Invitae), Labcorp
Classification: Likely benign for Ataxia-telangiectasia syndrome. Last evaluated: 2024-11-11. Review status: criteria provided, single submitter. Criteria: Invitae Variant Classification Sherloc (09022015). Collection method: clinical testing. Allele origin: germline.

Myriad Genetics, Inc.
Classification: Likely benign for Familial cancer of breast. Last evaluated: 2024-06-13. Review status: criteria provided, single submitter. Criteria: Myriad Autosomal Dominant, Autosomal Recessive and X-Linked Classification Criteria (2023). Collection method: clinical testing. Allele origin: unknown.
Comment: This variant is considered likely benign. This variant is intronic and is not expected to impact mRNA splicing.

NM_000051.4(ATM):c.7307+8G>A

Genes: ATM (ATM serine/threonine kinase; plus strand), C11orf65 (chromosome 11 open reading frame 65; minus strand). Cytogenetic location: 11q22.3.
Variant type: single nucleotide variant.
Coding change: c.7307+8G>A on transcript NM_000051.4 (MANE Select); 8 bases into the intron after coding-DNA position 7307, G replaced by A.
Molecular consequence: intron variant.
Genome position (GRCh38, 1-based): chr11:108,329,246, G>A. VCF-style: chr11-108329246-G-A. GRCh37 (hg19) VCF-style: chr11-108199973-G-A.
Other names: c.7307+8G>A (NM_001351834.2); c.641-20175C>T (NM_001330368.2); c.*38+5974C>T (NM_001351110.2).
Identifiers: ClinVar variation 2899281 (VCV002899281.4), dbSNP rs1057523631, ClinGen allele CA2724957935.